The following is an entry in ClinVar:

ClinVar aggregate classification (germline): Uncertain significance (1 of 4 stars; one submission).

Conditions:
POLD1-related polyposis and colorectal cancer syndrome (CRCS10). Also called: Colorectal cancer, susceptibility to, 10; Colorectal cancer 10; COLORECTAL CANCER, SUSCEPTIBILITY TO, ON CHROMOSOME 19q. Identifiers: Orphanet 220460, MedGen C2675481, MONDO:0012953, OMIM 612591.

Submission:

Labcorp Genetics (formerly Invitae), Labcorp
Classification: Uncertain significance for POLD1-related polyposis and colorectal cancer syndrome. Last evaluated: 2024-10-28. Review status: criteria provided, single submitter. Criteria: Invitae Variant Classification Sherloc (09022015). Collection method: clinical testing. Allele origin: germline.
Comment: This sequence change replaces glycine, which is neutral and non-polar, with glutamic acid, which is acidic and polar, at codon 129 of the POLD1 protein (p.Gly129Glu). This variant is not present in population databases (gnomAD no frequency). This variant has not been reported in the literature in individuals affected with POLD1-related conditions. ClinVar contains an entry for this variant (Variation ID: 1419063). Invitae Evidence Modeling of protein sequence and biophysical properties (such as structural, functional, and spatial information, amino acid conservation, physicochemical variation, residue mobility, and thermodynamic stability) indicates that this missense variant is expected to disrupt POLD1 protein function with a positive predictive value of 80%. In summary, the available evidence is currently insufficient to determine the role of this variant in disease. Therefore, it has been classified as a Variant of Uncertain Significance.

NM_002691.4(POLD1):c.386G>A (p.Gly129Glu)

Gene: POLD1 (DNA polymerase delta 1, catalytic subunit; plus strand). Cytogenetic location: 19q13.33.
Variant type: single nucleotide variant.
Coding change: c.386G>A on transcript NM_002691.4 (MANE Select); coding-DNA position 386, G replaced by A.
Protein change: p.Gly129Glu; replaces glycine 129 with glutamic acid.
Molecular consequence: missense variant. On other transcripts: non-coding transcript variant (1).
Genome position (GRCh38, 1-based): chr19:50,401,847, G>A. VCF-style: chr19-50401847-G-A. GRCh37 (hg19) VCF-style: chr19-50905104-G-A.
Other names: c.386G>A, p.Gly129Glu (NM_001256849.1, NM_001308632.1); short protein forms G129E.
Identifiers: ClinVar variation 1419063 (VCV001419063.8), dbSNP rs766133047, ClinGen allele CA406972375.